The following is an entry in ClinVar:

NM_138713.4(NFAT5):c.2942G>T (p.Gly981Val)

Gene: NFAT5 (nuclear factor of activated T cells 5; plus strand). Cytogenetic location: 16q22.1.
Variant type: single nucleotide variant.
Coding change: c.2942G>T on transcript NM_138713.4 (MANE Select); coding-DNA position 2942, G replaced by T.
Protein change: p.Gly981Val; replaces glycine 981 with valine.
Molecular consequence: missense variant.
Genome position (GRCh38, 1-based): chr16:69,692,767, G>T. VCF-style: chr16-69692767-G-T. GRCh37 (hg19) VCF-style: chr16-69726670-G-T.
Other names: c.2939G>T, p.Gly980Val (NM_001113178.3); c.2267G>T, p.Gly756Val (NM_001367709.1); c.2888G>T, p.Gly963Val (NM_006599.4); c.2660G>T, p.Gly887Val (NM_138714.4, NM_173214.3, NM_173215.3); short protein forms G756V, G887V, G963V, G980V, G981V.
Identifiers: ClinVar variation 1714867 (VCV001714867.5), dbSNP rs2544239288, ClinGen allele CA396511905.

ClinVar aggregate classification (germline): Uncertain significance (1 of 4 stars; one submission).

Conditions:
Immunodeficiency. Identifiers: MedGen C0021051, MONDO:0021094, HP:0002721.

Submission:

Labcorp Genetics (formerly Invitae), Labcorp
Classification: Uncertain significance for Immunodeficiency. Last evaluated: 2022-07-15. Review status: criteria provided, single submitter. Criteria: Invitae Variant Classification Sherloc (09022015). Collection method: clinical testing. Allele origin: germline.
Comment: This sequence change replaces glycine, which is neutral and non-polar, with valine, which is neutral and non-polar, at codon 887 of the NFAT5 protein (p.Gly887Val). This variant is not present in population databases (gnomAD no frequency). In summary, the available evidence is currently insufficient to determine the role of this variant in disease. Therefore, it has been classified as a Variant of Uncertain Significance. Algorithms developed to predict the effect of missense changes on protein structure and function are either unavailable or do not agree on the potential impact of this missense change (SIFT: "Deleterious"; PolyPhen-2: "Probably Damaging"; Align-GVGD: "Class C0"). This variant has not been reported in the literature in individuals affected with NFAT5-related conditions.